The following is an entry in ClinVar:

ClinVar aggregate classification (germline): Uncertain significance (1 of 4 stars; one submission).

Submission:

Labcorp Genetics (formerly Invitae), Labcorp
Classification: Uncertain significance. Last evaluated: 2022-09-06. Review status: criteria provided, single submitter. Criteria: Invitae Variant Classification Sherloc (09022015). Collection method: clinical testing. Allele origin: germline.
Comment: This sequence change replaces asparagine, which is neutral and polar, with serine, which is neutral and polar, at codon 926 of the SETD5 protein (p.Asn926Ser). This variant is not present in population databases (gnomAD no frequency). This missense change has been observed in individual(s) with SETD5-related conditions (Invitae). Algorithms developed to predict the effect of missense changes on protein structure and function output the following: SIFT: "Tolerated"; PolyPhen-2: "Benign"; Align-GVGD: "Class C0". The serine amino acid residue is found in multiple mammalian species, which suggests that this missense change does not adversely affect protein function. In summary, the available evidence is currently insufficient to determine the role of this variant in disease. Therefore, it has been classified as a Variant of Uncertain Significance.

NM_001080517.3(SETD5):c.2777A>G (p.Asn926Ser)

Gene: SETD5 (SET domain containing 5; plus strand). Cytogenetic location: 3p25.3.
Variant type: single nucleotide variant.
Coding change: c.2777A>G on transcript NM_001080517.3 (MANE Select); coding-DNA position 2777, A replaced by G.
Protein change: p.Asn926Ser; replaces asparagine 926 with serine.
Molecular consequence: missense variant.
Genome position (GRCh38, 1-based): chr3:9,470,511, A>G. VCF-style: chr3-9470511-A-G. GRCh37 (hg19) VCF-style: chr3-9512195-A-G.
Other names: c.2483A>G, p.Asn828Ser (NM_001292043.2, NM_001349451.2); short protein forms N828S, N926S.
Identifiers: ClinVar variation 2063723 (VCV002063723.4), dbSNP rs750303367, ClinGen allele CA351680117.